The following is an entry in ClinVar:

NM_004655.4(AXIN2):c.421A>C (p.Asn141His)

Gene: AXIN2 (axin 2; minus strand). Cytogenetic location: 17q24.1.
Variant type: single nucleotide variant.
Coding change: c.421A>C on transcript NM_004655.4 (MANE Select); coding-DNA position 421, A replaced by C.
Protein change: p.Asn141His; replaces asparagine 141 with histidine.
Molecular consequence: missense variant.
Genome position (GRCh38, 1-based): chr17:65,558,200, T>G on the plus strand (A>C on the coding strand, the complement: AXIN2 is on the minus strand). VCF-style: chr17-65558200-T-G. GRCh37 (hg19) VCF-style: chr17-63554318-T-G.
Other names: c.421A>C, p.Asn141His (NM_001363813.1); short protein forms N141H.
Identifiers: ClinVar variation 964242 (VCV000964242.9), dbSNP rs2044302186, ClinGen allele CA400681428.

ClinVar aggregate classification (germline): Uncertain significance (1 of 4 stars; one submission).

Conditions:
Oligodontia-cancer predisposition syndrome. Also called: TOOTH AGENESIS-COLORECTAL CANCER SYNDROME. Identifiers: Orphanet 300576, MedGen C1837750, MONDO:0012075, OMIM 608615. Disease mechanism: loss of function.

Submission:

Labcorp Genetics (formerly Invitae), Labcorp
Classification: Uncertain significance for Oligodontia-cancer predisposition syndrome. Last evaluated: 2023-12-30. Review status: criteria provided, single submitter. Criteria: Invitae Variant Classification Sherloc (09022015). Collection method: clinical testing. Allele origin: germline.
Comment: This sequence change replaces asparagine, which is neutral and polar, with histidine, which is basic and polar, at codon 141 of the AXIN2 protein (p.Asn141His). This variant is not present in population databases (gnomAD no frequency). This variant has not been reported in the literature in individuals affected with AXIN2-related conditions. ClinVar contains an entry for this variant (Variation ID: 964242). Advanced modeling of protein sequence and biophysical properties (such as structural, functional, and spatial information, amino acid conservation, physicochemical variation, residue mobility, and thermodynamic stability) performed at Invitae indicates that this missense variant is not expected to disrupt AXIN2 protein function with a negative predictive value of 80%. In summary, the available evidence is currently insufficient to determine the role of this variant in disease. Therefore, it has been classified as a Variant of Uncertain Significance.